The following is an entry in ClinVar:

ClinVar aggregate classification (germline): Likely pathogenic (1 of 4 stars; one submission).

Conditions:
Cardiovascular phenotype. Identifiers: MedGen CN230736.

Submission:

Molecular Diagnostic Laboratory for Inherited Cardiovascular Disease, Montreal Heart Institute
Classification: Likely pathogenic for Cardiovascular phenotype. Last evaluated: 2025-01-24. Review status: criteria provided, single submitter. Criteria: ACMG Guidelines, 2015. Collection method: clinical testing. Allele origin: germline. Affected: yes.
Comment: PVS1, PM2

NM_001267550.2(TTN):c.44548+2T>G

Gene: TTN (titin; minus strand). Cytogenetic location: 2q31.2.
Variant type: single nucleotide variant.
Coding change: c.44548+2T>G on transcript NM_001267550.2 (MANE Select); the canonical splice donor site of the intron after coding-DNA position 44548, T replaced by G.
Molecular consequence: splice donor variant.
Genome position (GRCh38, 1-based): chr2:178,625,271, A>C on the plus strand (T>G on the coding strand, the complement: TTN is on the minus strand). VCF-style: chr2-178625271-A-C. GRCh37 (hg19) VCF-style: chr2-179489998-A-C.
Other names: c.17353+2T>G (NM_003319.4); c.17929+2T>G (NM_133437.4); c.17728+2T>G (NM_133432.3); c.36844+2T>G (NM_133378.4); c.39625+2T>G (NM_001256850.1).
Identifiers: ClinVar variation 3894833 (VCV003894833.1).
Genomic context (GRCh38, chr2:178,625,271, plus strand): 5'-GAGTTGGCATTGTTCATGAGCCTCTGCCTTATACATGTTTTTAAAATAAGCCTTGTAATT[A>C]CCTTTCACAAAGAGGTTGGCGTGAGTTTTGAAATCTTTTGCTGTTAGTTGGACTTCCCCA-3'